The following is an entry in ClinVar:

NM_004260.4(RECQL4):c.1015del (p.Leu339fs)

Gene: RECQL4 (RecQ like helicase 4; minus strand). Cytogenetic location: 8q24.3.
Variant type: Deletion.
Coding change: c.1015del on transcript NM_004260.4 (MANE Select); coding-DNA position 1015, one base deleted (C; older notation c.1015delC).
Protein change: p.Leu339fs; shifts the reading frame from leucine 339.
Molecular consequence: frameshift variant.
Genome position (GRCh38, 1-based): chr8:144,516,104, G deleted on the plus strand (C on the coding strand, the reverse complement: RECQL4 is on the minus strand); the first of 6 consecutive G bases (chr8:144,516,104-144,516,109); deleting any one gives the same sequence. VCF-style (leftmost placement, unchanged base first): chr8-144516103-AG-A. GRCh37 (hg19) VCF-style: chr8-145741487-AG-A.
Other names: c.1015del (NM_004260.3); c.1015delC (NM_004260.3); short protein forms L339fs.
Identifiers: ClinVar variation 407030 (VCV000407030.7), dbSNP rs1060501384, ClinGen allele CA16612542.

ClinVar aggregate classification (germline): Pathogenic/Likely pathogenic. Review status: criteria provided, multiple submitters, no conflicts (2 of 4 stars). 2 submissions from 2 submitters: Pathogenic (1); Likely pathogenic (1). Last evaluated 2026-02-13.

Conditions:
Baller-Gerold syndrome (BGS). Also called: CRANIOSYNOSTOSIS WITH RADIAL DEFECTS. Identifiers: Orphanet 1225, MedGen C0265308, MONDO:0009039, OMIM 218600.

Submissions (2):

GeneDx
Classification: Likely pathogenic. Last evaluated: 2026-02-13. Review status: criteria provided, single submitter. Criteria: GeneDx Variant Classification Process June 2021. Collection method: clinical testing. Allele origin: germline.
Comment: Frameshift variant predicted to result in protein truncation or nonsense mediated decay in a gene for which loss of function is a known mechanism of disease; Not observed at significant frequency in large population cohorts (gnomAD); Has not been previously published as pathogenic or benign to our knowledge

Labcorp Genetics (formerly Invitae), Labcorp
Classification: Pathogenic for Baller-Gerold syndrome. Last evaluated: 2022-11-04. Review status: criteria provided, single submitter. Criteria: Invitae Variant Classification Sherloc (09022015). Collection method: clinical testing. Allele origin: germline.
Comment: This sequence change creates a premature translational stop signal (p.Leu339Cysfs*20) in the RECQL4 gene. It is expected to result in an absent or disrupted protein product. Loss-of-function variants in RECQL4 are known to be pathogenic (PMID: 12734318, 12952869). This variant is not present in population databases (gnomAD no frequency). This variant has not been reported in the literature in individuals affected with RECQL4-related conditions. ClinVar contains an entry for this variant (Variation ID: 407030). For these reasons, this variant has been classified as Pathogenic.

Literature cited by the submitters: PubMed 12734318 (cited by Labcorp Genetics (formerly Invitae), Labcorp); PubMed 12952869 (cited by Labcorp Genetics (formerly Invitae), Labcorp).